The following is an entry in ClinVar:

ClinVar aggregate classification (germline): Pathogenic (1 of 4 stars; one submission).

Submission:

GeneDx
Classification: Pathogenic. Last evaluated: 2016-10-13. Review status: criteria provided, single submitter. Criteria: GeneDx Variant Classification (06012015). Collection method: clinical testing. Allele origin: germline. Affected: yes.
Comment: The E61X pathogenic variant in the GPT2 gene has not been reported previously as a pathogenic variant nor as a benign variant, to our knowledge. This variant is predicted to cause loss of normal protein function either through protein truncation or nonsense-mediated mRNA decay. The E61X variant was not observed in approximately 4500 individuals of European and African American ancestry in the NHLBI Exome Sequencing Project, indicating it is not a common benign variant in these populations. We interpret E61X as a pathogenic variant.

NM_133443.4(GPT2):c.181G>T (p.Glu61Ter)

Gene: GPT2 (glutamic--pyruvic transaminase 2; plus strand). Cytogenetic location: 16q11.2.
Variant type: single nucleotide variant.
Coding change: c.181G>T on transcript NM_133443.4 (MANE Select); coding-DNA position 181, G replaced by T.
Protein change: p.Glu61Ter; replaces glutamic acid 61 with a stop codon.
Molecular consequence: nonsense. On other transcripts: 5 prime UTR variant (1).
Genome position (GRCh38, 1-based): chr16:46,884,896, G>T. VCF-style: chr16-46884896-G-T. GRCh37 (hg19) VCF-style: chr16-46918808-G-T.
Other names: c.-604G>T (NM_001142466.3); short protein forms E61*.
Identifiers: ClinVar variation 280442 (VCV000280442.2), dbSNP rs886041649, ClinGen allele CA10603530.